The following is an entry in ClinVar:

NM_000352.6(ABCC8):c.4546-1G>A

Gene: ABCC8 (ATP binding cassette subfamily C member 8; minus strand). Cytogenetic location: 11p15.1.
Variant type: single nucleotide variant.
Coding change: c.4546-1G>A on transcript NM_000352.6 (MANE Select); the canonical splice acceptor site of the intron before coding-DNA position 4546, G replaced by A.
Molecular consequence: splice acceptor variant.
Genome position (GRCh38, 1-based): chr11:17,393,760, C>T on the plus strand (G>A on the coding strand, the complement: ABCC8 is on the minus strand). VCF-style: chr11-17393760-C-T. GRCh37 (hg19) VCF-style: chr11-17415307-C-T.
Other names: c.4543-1G>A (NM_001351297.2); c.4546-1G>A (NM_001351296.2); c.4612-1G>A (NM_001351295.2); c.4549-1G>A (NM_001287174.3).
Identifiers: ClinVar variation 2137004 (VCV002137004.4), dbSNP rs2496435088, ClinGen allele CA379782310.

ClinVar aggregate classification (germline): Likely pathogenic (1 of 4 stars; one submission).

Submission:

Labcorp Genetics (formerly Invitae), Labcorp
Classification: Likely pathogenic. Last evaluated: 2022-08-27. Review status: criteria provided, single submitter. Criteria: Invitae Variant Classification Sherloc (09022015). Collection method: clinical testing. Allele origin: germline.
Comment: In summary, the currently available evidence indicates that the variant is pathogenic, but additional data are needed to prove that conclusively. Therefore, this variant has been classified as Likely Pathogenic. Algorithms developed to predict the effect of sequence changes on RNA splicing suggest that this variant may disrupt the consensus splice site. Disruption of this splice site has been observed in individual(s) with autosomal recessive congenital hyperinsulinism (PMID: 23275527). This variant is not present in population databases (gnomAD no frequency). This sequence change affects an acceptor splice site in intron 37 of the ABCC8 gene. It is expected to disrupt RNA splicing. Variants that disrupt the donor or acceptor splice site typically lead to a loss of protein function (PMID: 16199547), and loss-of-function variants in ABCC8 are known to be pathogenic (PMID: 20685672, 23345197).

Literature cited by the submitters: PubMed 23275527; PubMed 16199547; PubMed 20685672; PubMed 23345197.